The following is an entry in ClinVar:

ClinVar aggregate classification (germline): Conflicting classifications of pathogenicity. Review status: criteria provided, conflicting classifications (1 of 4 stars). 2 submissions from 2 submitters: Likely pathogenic (1); Uncertain significance (1). Last evaluated 2025-02-19.

Conditions:
Optic atrophy 3 (OPA3). Also called: OPTIC ATROPHY 3, AUTOSOMAL DOMINANT; Optic atrophy, cataract, and neurologic disorder; Optic atrophy 3 with cataract. Identifiers: Orphanet 67036, MedGen C1833809, MONDO:0008133, OMIM 165300.
3-Methylglutaconic aciduria type 3 (MGCA3). Also called: OPA3, AUTOSOMAL RECESSIVE; OPTIC ATROPHY 3, AUTOSOMAL RECESSIVE; OPA3-Related 3-Methylglutaconic Aciduria; Costeff Syndrome. Identifiers: Orphanet 67047, MedGen C0574084, MONDO:0009787, OMIM 258501.

Submissions (2):

Natera, Inc.
Classification: Likely pathogenic for 3-methylglutaconic aciduria type 3. Last evaluated: 2025-02-19. Review status: criteria provided, single submitter. Criteria: Natera Variant Classification Schema (03/2026). Collection method: clinical testing. Allele origin: germline.
Comment: The c.484C>T variant in OPA3 is a nonsense variant predicted to introduce a stop codon at amino acid 162. This variant is expected to result in nonsense mediated decay, truncation, or a dysfunctional protein product. This variant is rare in the general population with a frequency below the threshold expected for the associated phenotype(s). Given the available evidence, this variant is classified as Likely Pathogenic.

Labcorp Genetics (formerly Invitae), Labcorp
Classification: Uncertain significance for 3-Methylglutaconic aciduria type 3; Optic atrophy 3. Last evaluated: 2022-07-25. Review status: criteria provided, single submitter. Criteria: Invitae Variant Classification Sherloc (09022015). Collection method: clinical testing. Allele origin: germline.
Comment: This sequence change creates a premature translational stop signal (p.Gln162*) in the OPA3 gene. While this is not anticipated to result in nonsense mediated decay, it is expected to disrupt the last 18 amino acid(s) of the OPA3 protein. This variant is not present in population databases (gnomAD no frequency). This variant has not been reported in the literature in individuals affected with OPA3-related conditions. In summary, the available evidence is currently insufficient to determine the role of this variant in disease. Therefore, it has been classified as a Variant of Uncertain Significance.

NM_025136.4(OPA3):c.484C>T (p.Gln162Ter)

Genes: OPA3 (outer mitochondrial membrane lipid metabolism regulator OPA3; minus strand), OPA3-RTN2 (OPA3-RTN2 readthrough; minus strand). Cytogenetic location: 19q13.32.
Variant type: single nucleotide variant.
Coding change: c.484C>T on transcript NM_025136.4 (MANE Select); coding-DNA position 484, C replaced by T.
Protein change: p.Gln162Ter; replaces glutamine 162 with a stop codon.
Molecular consequence: nonsense. On other transcripts: intron variant (1).
Genome position (GRCh38, 1-based): chr19:45,553,570, G>A on the plus strand (C>T on the coding strand, the complement: OPA3 is on the minus strand). VCF-style: chr19-45553570-G-A. GRCh37 (hg19) VCF-style: chr19-46056828-G-A.
Other names: c.143-24114C>T (NM_001017989.3); c.484C>T (NM_025136.3); short protein forms Q162*.
Identifiers: ClinVar variation 2083156 (VCV002083156.2), dbSNP rs747167154, ClinGen allele CA406369767.